The following is an entry in ClinVar:

ClinVar aggregate classification (germline): Uncertain significance (1 of 4 stars; one submission).

Conditions:
Cardiovascular phenotype. Identifiers: MedGen CN230736.

Allele frequency attached by ClinVar (database versions not stated): gnomAD 0.00001; gnomAD exomes 0.00001.

Submission:

Ambry Genetics
Classification: Uncertain significance for Cardiovascular phenotype. Last evaluated: 2021-02-04. Review status: criteria provided, single submitter. Criteria: Ambry Variant Classification Scheme 2023. Collection method: clinical testing. Allele origin: germline.
Comment: The c.3130_3131insG variant, located in coding exon 17 of the SCN10A gene, results from an insertion of one nucleotide at position 3130, causing a translational frameshift with a predicted alternate stop codon (p.T1044Sfs*12). This alteration is expected to result in premature protein truncation or nonsense-mediated mRNA decay. However, loss of function of SCN10A has not been clearly established as a mechanism of disease. Since supporting evidence is limited at this time, the clinical significance of this alteration remains unclear.

NM_006514.4(SCN10A):c.3130_3131insG (p.Thr1044fs)

Genes: SCN10A (sodium voltage-gated channel alpha subunit 10; minus strand), LOC110121288 (VISTA enhancer hs2268; plus strand). Cytogenetic location: 3p22.2.
Variant type: Insertion.
Coding change: c.3130_3131insG on transcript NM_006514.4 (MANE Select); coding-DNA positions 3130 to 3131, G inserted.
Protein change: p.Thr1044fs; shifts the reading frame from threonine 1044.
Molecular consequence: frameshift variant.
Genome position: GRCh38 VCF-style: chr3-38725271-G-GC. GRCh37 (hg19) VCF-style: chr3-38766762-G-GC.
Other names: c.3127_3128insG, p.Thr1043fs (NM_001293306.2); c.2836_2837insG, p.Thr946fs (NM_001293307.2); short protein forms T1043fs, T946fs, T1044fs.
Identifiers: ClinVar variation 1727958 (VCV001727958.2), dbSNP rs1204092075, ClinGen allele CA906865410.